The following is an entry in ClinVar:

NM_002905.5(RDH5):c.833G>A (p.Arg278Gln)

Genes: BLOC1S1-RDH5 (BLOC1S1-RDH5 readthrough; plus strand), CD63 (CD63 molecule; minus strand), RDH5 (retinol dehydrogenase 5; plus strand). Cytogenetic location: 12q13.2.
Variant type: single nucleotide variant.
Coding change: c.833G>A on transcript NM_002905.5 (MANE Select); coding-DNA position 833, G replaced by A.
Protein change: p.Arg278Gln; replaces arginine 278 with glutamine.
Molecular consequence: missense variant. On other transcripts: non-coding transcript variant (1).
Genome position (GRCh38, 1-based): chr12:55,724,421, G>A. VCF-style: chr12-55724421-G-A. GRCh37 (hg19) VCF-style: chr12-56118205-G-A.
Other names: c.833G>A, p.Arg278Gln (NM_001199771.3); short protein forms R278Q.
Identifiers: ClinVar variation 967357 (VCV000967357.10), dbSNP rs756680042, ClinGen allele CA6616970.
Genomic context (GRCh38, chr12:55,724,421, plus strand): 5'-ACCCGGACCTAACCAAGGTGAGCCGATGCCTGGAGCATGCCCTGACTGCTCGACACCCCC[G>A]AACCCGCTACAGCCCAGGTTGGGATGCCAAGCTGCTCTGGCTGCCTGCCTCCTACCTGCC-3'
Protein context (NP_002896.2, residues 268-288): LEHALTARHP[Arg278Gln]TRYSPGWDAK

ClinVar aggregate classification (germline): Conflicting classifications of pathogenicity. Review status: criteria provided, conflicting classifications (1 of 4 stars). 3 submissions from 3 submitters: Likely pathogenic (1); Uncertain significance (2). Last evaluated 2023-12-27.

Conditions:
Retinal dystrophy. Also called: Inherited retinal dystrophy. Identifiers: Orphanet 71862, MedGen C0854723, MeSH D058499, MONDO:0019118, HP:0000556.

Allele frequency attached by ClinVar (database versions not stated): gnomAD 0.00001; gnomAD exomes 0.00001 and 0.00002; TOPMed 0.00001; ExAC 0.00002.
gnomAD v4.1: 10 of 1,614,028 alleles (0.00062%); highest among the groups gnomAD compares: Admixed American, 0.0033%; no homozygotes.

Submissions (3):

Labcorp Genetics (formerly Invitae), Labcorp
Classification: Uncertain significance. Last evaluated: 2023-12-27. Review status: criteria provided, single submitter. Criteria: Invitae Variant Classification Sherloc (09022015). Collection method: clinical testing. Allele origin: germline.
Comment: This sequence change replaces arginine, which is basic and polar, with glutamine, which is neutral and polar, at codon 278 of the RDH5 protein (p.Arg278Gln). This variant is present in population databases (rs756680042, gnomAD 0.006%). This variant has not been reported in the literature in individuals affected with RDH5-related conditions. ClinVar contains an entry for this variant (Variation ID: 967357). Advanced modeling of protein sequence and biophysical properties (such as structural, functional, and spatial information, amino acid conservation, physicochemical variation, residue mobility, and thermodynamic stability) has been performed at Invitae for this missense variant, however the output from this modeling did not meet the statistical confidence thresholds required to predict the impact of this variant on RDH5 protein function. In summary, the available evidence is currently insufficient to determine the role of this variant in disease. Therefore, it has been classified as a Variant of Uncertain Significance.

Blueprint Genetics
Classification: Uncertain significance. Last evaluated: 2022-10-20. Review status: criteria provided, single submitter. Criteria: ACMG Guidelines, 2015. Collection method: clinical testing. Allele origin: germline.

Institute of Human Genetics, Univ. Regensburg, Univ. Regensburg
Classification: Likely pathogenic for Retinal dystrophy. Last evaluated: 2021-01-01. Review status: criteria provided, single submitter. Criteria: ACMG Guidelines, 2015. Collection method: clinical testing. Allele origin: germline. Affected: yes.

Literature cited by the submitters: PubMed 22815624 (cited by Institute of Human Genetics, Univ. Regensburg, Univ. Regensburg).